The following is an entry in ClinVar:

ClinVar aggregate classification (germline): Pathogenic (1 of 4 stars; one submission).

Submission:

GeneDx
Classification: Pathogenic. Last evaluated: 2019-07-23. Review status: criteria provided, single submitter. Criteria: GeneDx Variant Classification Process June 2021. Collection method: clinical testing. Allele origin: germline. Affected: yes.
Comment: Nonsense variant predicted to result in protein truncation or nonsense mediated decay in a gene for which loss-of-function is a known mechanism of disease; Not observed in large population cohorts (Lek et al., 2016); Has not been previously published as pathogenic or benign to our knowledge; This variant is associated with the following publications: (PMID: 31618753)

NM_001170629.2(CHD8):c.2093T>G (p.Leu698Ter)

Gene: CHD8 (chromodomain helicase DNA binding protein 8; minus strand). Cytogenetic location: 14q11.2.
Variant type: single nucleotide variant.
Coding change: c.2093T>G on transcript NM_001170629.2 (MANE Select); coding-DNA position 2093, T replaced by G.
Protein change: p.Leu698Ter; replaces leucine 698 with a stop codon.
Molecular consequence: nonsense.
Genome position (GRCh38, 1-based): chr14:21,414,350, A>C on the plus strand (T>G on the coding strand, the complement: CHD8 is on the minus strand). VCF-style: chr14-21414350-A-C. GRCh37 (hg19) VCF-style: chr14-21882509-A-C.
Other names: c.1256T>G, p.Leu419Ter (NM_020920.4); short protein forms L419*, L698*.
Identifiers: ClinVar variation 450556 (VCV000450556.4), dbSNP rs1555316323, ClinGen allele CA388878001.